The following is an entry in ClinVar:

ClinVar aggregate classification (germline): Pathogenic/Likely pathogenic. Review status: criteria provided, multiple submitters, no conflicts (2 of 4 stars). 2 submissions from 2 submitters: Pathogenic (1); Likely pathogenic (1). Last evaluated 2019-12-02.

Conditions:
SCN1A-related disorder. Also called: SCN1A-related conditions; SCN1A-related condition; SCN1A-related disorders.
Early-infantile DEE. Also called: Early infantile epileptic encephalopathy with suppression bursts; Ohtahara syndrome; Early infantile epileptic encephalopathy. Identifiers: Orphanet 1934, MedGen C0393706, MONDO:0800491.

Submissions (2):

Labcorp Genetics (formerly Invitae), Labcorp
Classification: Pathogenic for Early-infantile DEE. Last evaluated: 2019-12-02. Review status: criteria provided, single submitter. Criteria: Invitae Variant Classification Sherloc (09022015). Collection method: clinical testing. Allele origin: germline.
Comment: This variant is not present in population databases (ExAC no frequency). Algorithms developed to predict the effect of missense changes on protein structure and function are either unavailable or do not agree on the potential impact of this missense change (SIFT: "Deleterious"; PolyPhen-2: "Benign"; Align-GVGD: "Class C15"). This variant has been observed in individual(s) with clinical features of early onset epileptic encephalopathy (PMID: 29655203, Invitae). In at least one individual the variant was observed to be de novo. This sequence change replaces proline with leucine at codon 113 of the SCN1A protein (p.Pro113Leu). The proline residue is highly conserved and there is a moderate physicochemical difference between proline and leucine. For these reasons, this variant has been classified as Pathogenic. This variant disrupts the p.Pro113 amino acid residue in SCN1A. Other variant(s) that disrupt this residue have been determined to be pathogenic (PMID: 26096185, 25818041). This suggests that this residue is clinically significant, and that variants that disrupt this residue are likely to be disease-causing.

Blueprint Genetics
Classification: Likely pathogenic for SCN1A-related disorders. Last evaluated: 2018-08-09. Review status: criteria provided, single submitter. Criteria: ACMG Guidelines, 2015. Collection method: clinical testing. Allele origin: germline. Affected: yes. Observed: 1 variant allele.

Literature cited by the submitters: PubMed 29655203 (cited by Labcorp Genetics (formerly Invitae), Labcorp); PubMed 26096185 (cited by Labcorp Genetics (formerly Invitae), Labcorp); PubMed 25818041 (cited by Labcorp Genetics (formerly Invitae), Labcorp).

NM_001165963.4(SCN1A):c.338C>T (p.Pro113Leu)

Gene: SCN1A (sodium voltage-gated channel alpha subunit 1; minus strand). Cytogenetic location: 2q24.3.
Variant type: single nucleotide variant.
Coding change: c.338C>T on transcript NM_001165963.4 (MANE Select); coding-DNA position 338, C replaced by T.
Protein change: p.Pro113Leu; replaces proline 113 with leucine.
Molecular consequence: missense variant. On other transcripts: 5 prime UTR variant (1), non-coding transcript variant (1).
Genome position (GRCh38, 1-based): chr2:166,058,615, G>A on the plus strand (C>T on the coding strand, the complement: SCN1A is on the minus strand). VCF-style: chr2-166058615-G-A. GRCh37 (hg19) VCF-style: chr2-166915125-G-A.
Other names: c.338C>T, p.Pro113Leu (NM_001165964.3, NM_001202435.3, NM_001353948.2 and 10 more transcripts); c.-2088C>T (NM_001353961.2); short protein forms P113L.
Identifiers: ClinVar variation 855453 (VCV000855453.11), dbSNP rs1553553462, ClinGen allele CA349076987.